The following is an entry in ClinVar:

NM_015346.4(ZFYVE26):c.5050C>T (p.Gln1684Ter)

Gene: ZFYVE26 (zinc finger FYVE-type containing 26; minus strand). Cytogenetic location: 14q24.1.
Variant type: single nucleotide variant.
Coding change: c.5050C>T on transcript NM_015346.4 (MANE Select); coding-DNA position 5050, C replaced by T.
Protein change: p.Gln1684Ter; replaces glutamine 1684 with a stop codon.
Molecular consequence: nonsense.
Genome position (GRCh38, 1-based): chr14:67,776,031, G>A on the plus strand (C>T on the coding strand, the complement: ZFYVE26 is on the minus strand). VCF-style: chr14-67776031-G-A. GRCh37 (hg19) VCF-style: chr14-68242748-G-A.
Other names: short protein forms Q1684*.
Identifiers: ClinVar variation 938012 (VCV000938012.7), dbSNP rs2039333225, ClinGen allele CA390168427.

ClinVar aggregate classification (germline): Pathogenic (1 of 4 stars; one submission).

Conditions:
Spastic paraplegia. Identifiers: MedGen C0037772, HP:0001258.

Allele frequency attached by ClinVar (database versions not stated): gnomAD exomes below 0.00001.
gnomAD v4.1: 1 of 1,614,234 alleles (0.000062%); highest among the groups gnomAD compares: Non-Finnish European, 0.000085%; no homozygotes.

Submission:

Labcorp Genetics (formerly Invitae), Labcorp
Classification: Pathogenic for Spastic paraplegia. Last evaluated: 2019-09-26. Review status: criteria provided, single submitter. Criteria: Invitae Variant Classification Sherloc (09022015). Collection method: clinical testing. Allele origin: germline.
Comment: For these reasons, this variant has been classified as Pathogenic. Loss-of-function variants in ZFYVE26 are known to be pathogenic (PMID: 18394578, 19805727). This variant has not been reported in the literature in individuals with ZFYVE26-related conditions. This variant is not present in population databases (ExAC no frequency). This sequence change creates a premature translational stop signal (p.Gln1684*) in the ZFYVE26 gene. It is expected to result in an absent or disrupted protein product.

Literature cited by the submitters: PubMed 18394578; PubMed 19805727.